The following is an entry in ClinVar:

ClinVar aggregate classification (germline): Uncertain significance (1 of 4 stars; one submission).

Allele frequency attached by ClinVar (database versions not stated): ExAC 0.00001; TOPMed 0.00001.
gnomAD v4.1: 30 of 1,613,118 alleles (0.0019%); highest among the groups gnomAD compares: South Asian, 0.0099%; no homozygotes.

Submission:

Labcorp Genetics (formerly Invitae), Labcorp
Classification: Uncertain significance. Last evaluated: 2022-06-14. Review status: criteria provided, single submitter. Criteria: Invitae Variant Classification Sherloc (09022015). Collection method: clinical testing. Allele origin: germline.
Comment: This sequence change replaces alanine, which is neutral and non-polar, with threonine, which is neutral and polar, at codon 1099 of the ABCC6 protein (p.Ala1099Thr). This variant is present in population databases (rs773773146, gnomAD 0.003%). This variant has not been reported in the literature in individuals affected with ABCC6-related conditions. Advanced modeling of protein sequence and biophysical properties (such as structural, functional, and spatial information, amino acid conservation, physicochemical variation, residue mobility, and thermodynamic stability) performed at Invitae indicates that this missense variant is not expected to disrupt ABCC6 protein function. In summary, the available evidence is currently insufficient to determine the role of this variant in disease. Therefore, it has been classified as a Variant of Uncertain Significance.

NM_001171.6(ABCC6):c.3295G>A (p.Ala1099Thr)

Gene: ABCC6 (ATP binding cassette subfamily C member 6; minus strand). Cytogenetic location: 16p13.11.
Variant type: single nucleotide variant.
Coding change: c.3295G>A on transcript NM_001171.6 (MANE Select); coding-DNA position 3295, G replaced by A.
Protein change: p.Ala1099Thr; replaces alanine 1099 with threonine.
Molecular consequence: missense variant. On other transcripts: non-coding transcript variant (1).
Genome position (GRCh38, 1-based): chr16:16,165,634, C>T on the plus strand (G>A on the coding strand, the complement: ABCC6 is on the minus strand). VCF-style: chr16-16165634-C-T. GRCh37 (hg19) VCF-style: chr16-16259491-C-T.
Other names: c.2953G>A, p.Ala985Thr (NM_001351800.1); short protein forms A1099T, A985T.
Identifiers: ClinVar variation 1509690 (VCV001509690.5), dbSNP rs773773146, ClinGen allele CA7925640.
Genomic context (GRCh38, chr16:16,165,634, plus strand): 5'-GCTGAGTTGACCTCAGCCGGTCCCGGAAGCCTCCCTGACCTCTCCGTACCTGAAACCCAG[C>T]GTAGAGGAGAAACAGTGGCAGGATGGCCACAGTGGCCAGTGGGGTAGCCACTGCCACCAC-3'
Protein context (NP_001162.5, residues 1089-1109): VAILPLFLLY[Ala1099Thr]GFQSLYVVSS